The following is an entry in ClinVar:

ClinVar aggregate classification (germline): Pathogenic (1 of 4 stars; one submission).

Conditions:
Propionic acidemia (PROP). Also called: GLYCINEMIA, KETOTIC; HYPERGLYCINEMIA WITH KETOACIDOSIS AND LEUKOPENIA; KETOTIC HYPERGLYCINEMIA. Identifiers: Orphanet 35, MedGen C0268579, MONDO:0011628, OMIM 606054, HP:0003571.

Submission:

Labcorp Genetics (formerly Invitae), Labcorp
Classification: Pathogenic for Propionic acidemia. Last evaluated: 2020-04-07. Review status: criteria provided, single submitter. Criteria: Invitae Variant Classification Sherloc (09022015). Collection method: clinical testing. Allele origin: germline.
Comment: For these reasons, this variant has been classified as Pathogenic. This variant disrupts the C-terminus of the PCCB protein. Other variant(s) that disrupt this region (p.Arg514*) have been determined to be pathogenic (PMID: 27227689, 11136555, 24059531, 11136555). This suggests that variants that disrupt this region of the protein are likely to be causative of disease. This variant has not been reported in the literature in individuals with PCCB-related conditions. This variant is not present in population databases (ExAC no frequency). This sequence change results in a frameshift in the PCCB gene (p.Ala454Glyfs*96). While this is not anticipated to result in nonsense mediated decay, it is expected to disrupt the last 86 amino acids of the PCCB protein and extend the protein by an additional 9 amino acids.

Literature cited by the submitters: PubMed 27227689; PubMed 11136555; PubMed 24059531.

NM_000532.5(PCCB):c.1361_1364del (p.Ala454fs)

Gene: PCCB (propionyl-CoA carboxylase subunit beta; plus strand). Cytogenetic location: 3q22.3.
Variant type: Deletion.
Coding change: c.1361_1364del on transcript NM_000532.5 (MANE Select); coding-DNA positions 1361 to 1364, 4 bases deleted (CCTG; older notation c.1361_1364delCCTG).
Protein change: p.Ala454fs; shifts the reading frame from alanine 454.
Molecular consequence: frameshift variant.
Genome position (GRCh38, 1-based): chr3:136,327,695-136,327,698, CCTG deleted; deleting any 4 consecutive bases within chr3:136,327,693-136,327,698 gives the same sequence; the c. name uses the placement nearest the transcript's 3' end. VCF-style (leftmost placement, unchanged base first): chr3-136327692-ATGCC-A. GRCh37 (hg19) VCF-style: chr3-136046534-ATGCC-A.
Other names: c.1421_1424del, p.Ala474fs (NM_001178014.2); short protein forms A454fs, A474fs.
Identifiers: ClinVar variation 1076081 (VCV001076081.9), dbSNP rs2108239069, ClinGen allele CA2499216507.